The following is an entry in ClinVar:

NM_001378969.1(KCND3):c.149G>A (p.Arg50Lys)

Gene: KCND3 (potassium voltage-gated channel subfamily D member 3; minus strand). Cytogenetic location: 1p13.2.
Variant type: single nucleotide variant.
Coding change: c.149G>A on transcript NM_001378969.1 (MANE Select); coding-DNA position 149, G replaced by A.
Protein change: p.Arg50Lys; replaces arginine 50 with lysine.
Molecular consequence: missense variant.
Genome position (GRCh38, 1-based): chr1:111,982,578, C>T on the plus strand (G>A on the coding strand, the complement: KCND3 is on the minus strand). VCF-style: chr1-111982578-C-T. GRCh37 (hg19) VCF-style: chr1-112525200-C-T.
Other names: c.149G>A, p.Arg50Lys (NM_001378970.1, NM_004980.5, NM_172198.3); short protein forms R50K.
Identifiers: ClinVar variation 4746722 (VCV004746722.1).

ClinVar aggregate classification (germline): Uncertain significance (1 of 4 stars; one submission).

Conditions:
Spinocerebellar ataxia type 19/22 (SCA19). Also called: SPINOCEREBELLAR ATAXIA 19; SPINOCEREBELLAR ATAXIA 22. Identifiers: Orphanet 98772, MedGen C1846367, MONDO:0011819, OMIM 607346.

gnomAD v4.1: 1 of 1,612,566 alleles (0.000062%); highest among the groups gnomAD compares: African/African-American, 0.0013%; no homozygotes.

Submission:

Labcorp Genetics (formerly Invitae), Labcorp
Classification: Uncertain significance for Spinocerebellar ataxia type 19/22. Last evaluated: 2025-05-18. Review status: criteria provided, single submitter. Criteria: Invitae Variant Classification Sherloc (09022015). Collection method: clinical testing. Allele origin: germline.
Comment: This sequence change replaces arginine, which is basic and polar, with lysine, which is basic and polar, at codon 50 of the KCND3 protein (p.Arg50Lys). This variant is not present in population databases (gnomAD no frequency). This variant has not been reported in the literature in individuals affected with KCND3-related conditions. Invitae Evidence Modeling of protein sequence and biophysical properties (such as structural, functional, and spatial information, amino acid conservation, physicochemical variation, residue mobility, and thermodynamic stability) indicates that this missense variant is not expected to disrupt KCND3 protein function with a negative predictive value of 95%. In summary, the available evidence is currently insufficient to determine the role of this variant in disease. Therefore, it has been classified as a Variant of Uncertain Significance.